The following is an entry in ClinVar:

NM_005035.4(POLRMT):c.3455_3456del (p.Cys1152fs)

Gene: POLRMT (RNA polymerase mitochondrial; minus strand). Cytogenetic location: 19p13.3.
Variant type: Deletion.
Coding change: c.3455_3456del on transcript NM_005035.4 (MANE Select); coding-DNA positions 3455 to 3456, 2 bases deleted (GT; older notation c.3455_3456delGT).
Protein change: p.Cys1152fs; shifts the reading frame from cysteine 1152.
Molecular consequence: frameshift variant. On other transcripts: non-coding transcript variant (1).
Genome position (GRCh38, 1-based): chr19:617,816-617,817, AC deleted on the plus strand (GT on the coding strand, the reverse complement: POLRMT is on the minus strand); deleting any 2 consecutive bases within chr19:617,816-617,818 gives the same sequence; the c. name uses the placement nearest the transcript's 3' end. VCF-style (leftmost placement, unchanged base first): chr19-617815-AAC-A. GRCh37 (hg19) VCF-style: chr19-617815-AAC-A.
Other names: c.3476_3477del, p.Cys1159fs (NM_001407805.1); c.3467_3468del, p.Cys1156fs (NM_001407806.1); c.3464_3465del, p.Cys1155fs (NM_001407807.1, NM_001407808.1); c.3446_3447del, p.Cys1149fs (NM_001407809.1); c.3443_3444del, p.Cys1148fs (NM_001407810.1); c.3434_3435del, p.Cys1145fs (NM_001407811.1); c.3416_3417del, p.Cys1139fs (NM_001407812.1); c.3413_3414del, p.Cys1138fs (NM_001407813.1); and 11 more; short protein forms C1018fs, C1031fs, C1041fs, C1044fs, C1051fs, C1077fs, C1118fs, C1119fs.
Identifiers: ClinVar variation 3336054 (VCV003336054.1).
Genomic context (GRCh38, chr19:617,815, plus strand): 5'-GAGGCTCAGACTACGGGGGCACCTGGTTCATGACGGAGACATCAGCTGCGTGAGTCCAGT[AAC>A]AGTCGTGCACAGAGACGAAGGTCAGGCCCTTCCTGTGGCAGAGCGGAGGACTCCTGAAGG-3'

ClinVar aggregate classification (germline): Uncertain significance (1 of 4 stars; one submission).

Submission:

Women's Health and Genetics/Laboratory Corporation of America, LabCorp
Classification: Uncertain significance. Last evaluated: 2024-05-10. Review status: criteria provided, single submitter. Criteria: LabCorp Variant Classification Summary - May 2015. Collection method: clinical testing. Allele origin: germline.
Comment: Variant summary: POLRMT c.3455_3456delGT (p.Cys1152LeufsX7) results in a premature termination codon, predicted to cause a truncation of the encoded protein or absence of the protein due to nonsense mediated decay, however the molecular mechanism of disease attributed to POLRMT is currently unknown. The variant was absent in 250618 control chromosomes. The available data on variant occurrences in the general population are insufficient to allow any conclusion about variant significance. To our knowledge, no occurrence of c.3455_3456delGT in individuals affected with Combined Oxidative Phosphorylation Deficiency 55 and no experimental evidence demonstrating its impact on protein function have been reported. No submitters have cited clinical-significance assessments for this variant to ClinVar. Based on the evidence outlined above, the variant was classified as uncertain significance.